The following is an entry in ClinVar:

NM_000159.4(GCDH):c.1078G>T (p.Asp360Tyr)

Gene: GCDH (glutaryl-CoA dehydrogenase; plus strand). Cytogenetic location: 19p13.13.
Variant type: single nucleotide variant.
Coding change: c.1078G>T on transcript NM_000159.4 (MANE Select); coding-DNA position 1078, G replaced by T.
Protein change: p.Asp360Tyr; replaces aspartic acid 360 with tyrosine.
Molecular consequence: missense variant. On other transcripts: non-coding transcript variant (2).
Genome position (GRCh38, 1-based): chr19:12,897,424, G>T. VCF-style: chr19-12897424-G-T. GRCh37 (hg19) VCF-style: chr19-13008238-G-T.
Other names: c.1078G>T, p.Asp360Tyr (NM_013976.5); short protein forms D360Y.
Identifiers: ClinVar variation 3907536 (VCV003907536.1).

ClinVar aggregate classification (germline): Uncertain significance (1 of 4 stars; one submission).

gnomAD v4.1: 2 of 1,612,404 alleles (0.00012%); highest among the groups gnomAD compares: African/African-American, 0.0027%; no homozygotes.

Submission:

Women's Health and Genetics/Laboratory Corporation of America, LabCorp
Classification: Uncertain significance. Last evaluated: 2025-06-25. Review status: criteria provided, single submitter. Criteria: LabCorp Variant Classification Summary - May 2015. Collection method: clinical testing. Allele origin: germline.
Comment: Variant summary: GCDH c.1078G>T (p.Asp360Tyr) results in a non-conservative amino acid change in the encoded protein sequence. Algorithms developed to predict the effect of missense changes on protein structure and function all suggest that this variant is likely to be disruptive. The variant was absent in 250176 control chromosomes (gnomAD). The available data on variant occurrences in the general population are insufficient to allow any conclusion about variant significance. c.1078G>T has been observed in at least one individual affected with Glutaric Acidemia Type 1 (Schuurmans_2023). The report does not provide unequivocal conclusions about association of the variant with Glutaric Acidemia Type 1. To our knowledge, no experimental evidence demonstrating an impact on protein function has been reported. The following publication has been ascertained in the context of this evaluation (PMID: 37020324). No submitters have cited clinical-significance assessments for this variant to ClinVar. Based on the evidence outlined above, the variant was classified as uncertain significance.

Literature cited by the submitters: PubMed 37020324.